The following is an entry in ClinVar:

ClinVar aggregate classification (germline): Uncertain significance. Review status: criteria provided, multiple submitters, no conflicts (2 of 4 stars). 2 submissions from 2 submitters: Uncertain significance (2). Last evaluated 2022-09-21.

Conditions:
X-linked severe combined immunodeficiency (SCIDX1). Also called: IMMUNODEFICIENCY 4; SCID, X-LINKED; SEVERE COMBINED IMMUNODEFICIENCY, X-LINKED, T CELL-NEGATIVE, B CELL-POSITIVE, NK CELL-NEGATIVE; T-B+ severe combined immunodeficiency due to gamma chain deficiency; X-Linked Combined Immunodeficiency Diseases. Identifiers: Orphanet 276, MedGen C6022468, MONDO:0010315, OMIM 300400. Disease mechanism: loss of function.

Submissions (2):

Labcorp Genetics (formerly Invitae), Labcorp
Classification: Uncertain significance for X-linked severe combined immunodeficiency. Last evaluated: 2022-09-21. Review status: criteria provided, single submitter. Criteria: Invitae Variant Classification Sherloc (09022015). Collection method: clinical testing. Allele origin: germline.
Comment: This sequence change creates a premature translational stop signal (p.Pro361Hisfs*5) in the IL2RG gene. While this is not anticipated to result in nonsense mediated decay, it is expected to disrupt the last 9 amino acid(s) of the IL2RG protein. The frequency data for this variant in the population databases is considered unreliable, as metrics indicate poor data quality at this position in the gnomAD database. This variant has not been reported in the literature in individuals affected with IL2RG-related conditions. ClinVar contains an entry for this variant (Variation ID: 1303318). In summary, the available evidence is currently insufficient to determine the role of this variant in disease. Therefore, it has been classified as a Variant of Uncertain Significance.

GeneDx
Classification: Uncertain significance. Last evaluated: 2019-07-03. Review status: criteria provided, single submitter. Criteria: GeneDx Variant Classification Process June 2021. Collection method: clinical testing. Allele origin: germline. Affected: yes.
Comment: Not observed in large population cohorts (Lek et al., 2016); Frameshift variant predicted to result in protein truncation as the last 9 amino acids are lost and replaced with 4 incorrect amino acids, although loss-of-function variants have not been reported downstream of this position in the protein; Has not been previously published as pathogenic or benign to our knowledge

NM_000206.3(IL2RG):c.1082del (p.Pro361fs)

Gene: IL2RG (interleukin 2 receptor subunit gamma; minus strand). Cytogenetic location: Xq13.1.
Variant type: Deletion.
Coding change: c.1082del on transcript NM_000206.3 (MANE Select); coding-DNA position 1082, one base deleted (C; older notation c.1082delC).
Protein change: p.Pro361fs; shifts the reading frame from proline 361.
Molecular consequence: frameshift variant.
Genome position (GRCh38, 1-based): chrX:71,107,764, G deleted on the plus strand (C on the coding strand, the reverse complement: IL2RG is on the minus strand); the first of 7 consecutive G bases (chrX:71,107,764-71,107,770); deleting any one gives the same sequence. VCF-style (leftmost placement, unchanged base first): chrX-71107763-TG-T. GRCh37 (hg19) VCF-style: chrX-70327613-TG-T.
Other names: short protein forms P361fs.
Identifiers: ClinVar variation 1303318 (VCV001303318.3), dbSNP rs745545309, ClinGen allele CA10443755.